The following is an entry in ClinVar:

NM_000719.7(CACNA1C):c.3946-9G>A

Gene: CACNA1C (calcium voltage-gated channel subunit alpha1 C; plus strand). Cytogenetic location: 12p13.33.
Variant type: single nucleotide variant.
Coding change: c.3946-9G>A on transcript NM_000719.7 (MANE Select); 9 bases into the intron before coding-DNA position 3946, G replaced by A.
Molecular consequence: intron variant. On other transcripts: missense variant (1).
Genome position (GRCh38, 1-based): chr12:2,651,631, G>A. VCF-style: chr12-2651631-G-A. GRCh37 (hg19) VCF-style: chr12-2760797-G-A.
Other names: c.3946-9G>A (NM_001167623.2, NM_001129840.2, NM_001129833.2 and 7 more transcripts); c.3913-9G>A (NM_001167625.2, NM_001129837.2, NM_001129838.2 and 1 more transcripts); c.4090-9G>A (NM_199460.4, NM_001129827.2); c.4006-9G>A (NM_001129832.2); c.4030-9G>A (NM_001129831.2); c.3907-9G>A (NM_001129839.2); c.3997-9G>A (NM_001129836.2); c.3937-9G>A (NM_001129844.2); and 1 more; short protein forms G1335R.
Identifiers: ClinVar variation 3340871 (VCV003340871.2).

ClinVar aggregate classification (germline): Uncertain significance (1 of 4 stars; one submission).

Submission:

GeneDx
Classification: Uncertain significance. Last evaluated: 2026-01-15. Review status: criteria provided, single submitter. Criteria: GeneDx Variant Classification Process June 2021. Collection method: clinical testing. Allele origin: germline.
Comment: Not observed at significant frequency in large population cohorts (gnomAD); Has not been previously published as pathogenic or benign to our knowledge; In silico analysis supports a deleterious effect on splicing